The following is an entry in ClinVar:

ClinVar aggregate classification (germline): Pathogenic (1 of 4 stars; one submission).

Conditions:
46 XY differences of sex development. Also called: 46, XY disorder of sex development (DSD); 46,XY disorder of sex development. Identifiers: Orphanet 98085, MedGen C2751824, MONDO:0020040.
Oligosynaptic infertility (SPGF1). Also called: SPERMATOGENIC FAILURE 1; OLIGOCHIASMATIC INFERTILITY. Identifiers: MedGen C0403810, MONDO:0009776, OMIM 258150.

Submission:

Labcorp Genetics (formerly Invitae), Labcorp
Classification: Pathogenic for 46 XY differences of sex development; Oligosynaptic infertility. Last evaluated: 2025-05-21. Review status: criteria provided, single submitter. Criteria: Invitae Variant Classification Sherloc (09022015). Collection method: clinical testing. Allele origin: germline.
Comment: This sequence change creates a premature translational stop signal (p.Glu51Valfs*38) in the NR5A1 gene. It is expected to result in an absent or disrupted protein product. Loss-of-function variants in NR5A1 are known to be pathogenic (PMID: 10369247, 12907682, 19246354). This variant is not present in population databases (gnomAD no frequency). This variant has not been reported in the literature in individuals affected with NR5A1-related conditions. For these reasons, this variant has been classified as Pathogenic.

Literature cited by the submitters: PubMed 10369247; PubMed 12907682; PubMed 19246354.

NM_004959.5(NR5A1):c.145_151dup (p.Glu51fs)

Gene: NR5A1 (nuclear receptor subfamily 5 group A member 1; minus strand). Cytogenetic location: 9q33.3.
Variant type: Duplication.
Coding change: c.145_151dup on transcript NM_004959.5 (MANE Select); coding-DNA positions 145 to 151, 7 bases duplicated (TGCACCG; older notation c.145_151dupTGCACCG).
Protein change: p.Glu51fs; shifts the reading frame from glutamic acid 51.
Molecular consequence: frameshift variant.
Genome position (GRCh38, 1-based): chr9:124,503,172-124,503,178, CGGTGCA duplicated on the plus strand (TGCACCG on the coding strand, the reverse complement: NR5A1 is on the minus strand); duplicating any 7 consecutive bases within chr9:124,503,172-124,503,180 gives the same sequence; the c. name uses the placement nearest the transcript's 3' end. VCF-style (leftmost placement, unchanged base first): chr9-124503171-T-TCGGTGCA. GRCh37 (hg19) VCF-style: chr9-127265450-T-TCGGTGCA.
Other names: short protein forms E51fs.
Identifiers: ClinVar variation 4784426 (VCV004784426.1).